The following is an entry in ClinVar:

NM_014159.7(SETD2):c.2362A>T (p.Thr788Ser)

Gene: SETD2 (SET domain containing 2, histone lysine methyltransferase; minus strand). Cytogenetic location: 3p21.31.
Variant type: single nucleotide variant.
Coding change: c.2362A>T on transcript NM_014159.7 (MANE Select); coding-DNA position 2362, A replaced by T.
Protein change: p.Thr788Ser; replaces threonine 788 with serine.
Molecular consequence: missense variant. On other transcripts: non-coding transcript variant (1).
Genome position (GRCh38, 1-based): chr3:47,122,274, T>A on the plus strand (A>T on the coding strand, the complement: SETD2 is on the minus strand). VCF-style: chr3-47122274-T-A. GRCh37 (hg19) VCF-style: chr3-47163764-T-A.
Other names: c.2230A>T, p.Thr744Ser (NM_001349370.3); short protein forms T744S, T788S.
Identifiers: ClinVar variation 2428989 (VCV002428989.3), dbSNP rs2043129263, ClinGen allele CA352526721.
Genomic context (GRCh38, chr3:47,122,274, plus strand): 5'-CAGAGTTACACAAAGAAGGGTTGCTATCGTTCAAAGTACAGTATATGTCTGAATCTTTGG[T>A]TTTGCAGCAAGAAACCCTCGTATCAACTGGTTCTTTAACTACTGTTTTGGAATAATCCAC-3'
Protein context (NP_054878.5, residues 778-798): PVDTRVSCCK[Thr788Ser]KDSDIYCTLN

ClinVar aggregate classification (germline): Uncertain significance (1 of 4 stars; one submission).

Submission:

GeneDx
Classification: Uncertain significance. Last evaluated: 2025-09-30. Review status: criteria provided, single submitter. Criteria: GeneDx Variant Classification Process June 2021. Collection method: clinical testing. Allele origin: germline.
Comment: Not observed at significant frequency in large population cohorts (gnomAD); In silico analysis suggests that this missense variant does not alter protein structure/function; Has not been previously published as pathogenic or benign to our knowledge